The following is an entry in ClinVar:

NM_004360.5(CDH1):c.1217C>A (p.Thr406Asn)

Gene: CDH1 (cadherin 1; plus strand). Cytogenetic location: 16q22.1.
Variant type: single nucleotide variant.
Coding change: c.1217C>A on transcript NM_004360.5 (MANE Select); coding-DNA position 1217, C replaced by A.
Protein change: p.Thr406Asn; replaces threonine 406 with asparagine.
Molecular consequence: missense variant. On other transcripts: 5 prime UTR variant (2), intron variant (1).
Genome position (GRCh38, 1-based): chr16:68,813,392, C>A. VCF-style: chr16-68813392-C-A. GRCh37 (hg19) VCF-style: chr16-68847295-C-A.
Other names: c.-399C>A (NM_001317185.2); c.-603C>A (NM_001317186.2); c.1137+1129C>A (NM_001317184.2); c.1217C>A (LRG_301t1); short protein forms T406N.
Identifiers: ClinVar variation 641224 (VCV000641224.10), dbSNP rs753770270, ClinGen allele CA396461352.

ClinVar aggregate classification (germline): Uncertain significance. Review status: criteria provided, multiple submitters, no conflicts (2 of 4 stars). 2 submissions from 2 submitters: Uncertain significance (2). Last evaluated 2026-07-02.

Conditions:
Hereditary diffuse gastric adenocarcinoma (HDGC). Also called: DIFFUSE GASTRIC AND LOBULAR BREAST CANCER SYNDROME. Identifiers: Orphanet 26106, MedGen C1708349, MONDO:0007648, OMIM 137215.
Hereditary cancer-predisposing syndrome. Also called: Neoplastic Syndromes, Hereditary; Hereditary Cancer Syndrome; Hereditary neoplastic syndrome; Tumor predisposition. Identifiers: Orphanet 140162, MedGen C0027672, MeSH D009386, MONDO:0015356.

Submissions (2):

Ambry Genetics
Classification: Uncertain significance for Hereditary cancer-predisposing syndrome. Last evaluated: 2026-07-02. Review status: criteria provided, single submitter. Criteria: Ambry Variant Classification Scheme 2023. Collection method: clinical testing. Allele origin: germline.
Comment: The p.T406N variant (also known as c.1217C>A), located in coding exon 9 of the CDH1 gene, results from a C to A substitution at nucleotide position 1217. The threonine at codon 406 is replaced by asparagine, an amino acid with similar properties. This amino acid position is conserved. In addition, this alteration is predicted to be tolerated by in silico analysis. Based on the available evidence, the clinical significance of this variant remains unclear.

Labcorp Genetics (formerly Invitae), Labcorp
Classification: Uncertain significance for Hereditary diffuse gastric adenocarcinoma. Last evaluated: 2024-08-27. Review status: criteria provided, single submitter. Criteria: Invitae Variant Classification Sherloc (09022015). Collection method: clinical testing. Allele origin: germline.
Comment: This sequence change replaces threonine, which is neutral and polar, with asparagine, which is neutral and polar, at codon 406 of the CDH1 protein (p.Thr406Asn). This variant is not present in population databases (gnomAD no frequency). This variant has not been reported in the literature in individuals affected with CDH1-related conditions. ClinVar contains an entry for this variant (Variation ID: 641224). An algorithm developed to predict the effect of missense changes on protein structure and function (PolyPhen-2) suggests that this variant is likely to be disruptive. In summary, the available evidence is currently insufficient to determine the role of this variant in disease. Therefore, it has been classified as a Variant of Uncertain Significance.